The following is an entry in ClinVar:

ClinVar aggregate classification (germline): Uncertain significance (1 of 4 stars; one submission).

Conditions:
Vici syndrome (VICIS). Identifiers: Orphanet 1493, MedGen C1855772, MONDO:0009452, OMIM 242840.

Allele frequency attached by ClinVar (database versions not stated): gnomAD exomes below 0.00001 and 0.00001; TOPMed below 0.00001; ExAC 0.00001.
gnomAD v4.1: 19 of 1,597,802 alleles (0.0012%); highest among the groups gnomAD compares: Non-Finnish European, 0.0014%; no homozygotes.

Submission:

Labcorp Genetics (formerly Invitae), Labcorp
Classification: Uncertain significance for Vici syndrome. Last evaluated: 2021-09-05. Review status: criteria provided, single submitter. Criteria: Invitae Variant Classification Sherloc (09022015). Collection method: clinical testing. Allele origin: germline.
Comment: This sequence change replaces phenylalanine with leucine at codon 440 of the EPG5 protein (p.Phe440Leu). The phenylalanine residue is moderately conserved and there is a small physicochemical difference between phenylalanine and leucine. This variant is present in population databases (rs200123131, ExAC 0.002%). This variant has not been reported in the literature in individuals affected with EPG5-related conditions. Algorithms developed to predict the effect of missense changes on protein structure and function are either unavailable or do not agree on the potential impact of this missense change (SIFT: "Deleterious"; PolyPhen-2: "Probably Damaging"; Align-GVGD: "Class C0"). In summary, the available evidence is currently insufficient to determine the role of this variant in disease. Therefore, it has been classified as a Variant of Uncertain Significance.

NM_020964.3(EPG5):c.1318T>C (p.Phe440Leu)

Genes: EPG5 (ectopic P-granules 5 autophagy tethering factor; minus strand), LOC126862737 (P300/CBP strongly-dependent group 1 enhancer GRCh37_chr18:43530707-43531906; plus strand). Cytogenetic location: 18q21.1.
Variant type: single nucleotide variant.
Coding change: c.1318T>C on transcript NM_020964.3 (MANE Select); coding-DNA position 1318, T replaced by C.
Protein change: p.Phe440Leu; replaces phenylalanine 440 with leucine.
Molecular consequence: missense variant.
Genome position (GRCh38, 1-based): chr18:45,951,173, A>G on the plus strand (T>C on the coding strand, the complement: EPG5 is on the minus strand). VCF-style: chr18-45951173-A-G. GRCh37 (hg19) VCF-style: chr18-43531139-A-G.
Other names: short protein forms F440L.
Identifiers: ClinVar variation 936687 (VCV000936687.6), dbSNP rs200123131, ClinGen allele CA8949759.